The following is an entry in ClinVar:

ClinVar aggregate classification (germline): Likely benign (1 of 4 stars; one submission).

Submission:

CeGaT Center for Human Genetics Tuebingen
Classification: Likely benign. Last evaluated: 2026-06-01. Review status: criteria provided, single submitter. Criteria: CeGaT Center For Human Genetics Tuebingen Variant Classification Criteria Version 2. Collection method: clinical testing. Allele origin: germline. Affected: yes. Observed: 1 variant allele.
Comment: KIF26A: BP4, BP7

NM_015656.2(KIF26A):c.5607A>G (p.Ala1869=)

Gene: KIF26A (kinesin family member 26A; plus strand). Cytogenetic location: 14q32.33.
Variant type: single nucleotide variant.
Coding change: c.5607A>G on transcript NM_015656.2 (MANE Select); coding-DNA position 5607, A replaced by G.
Protein change: p.Ala1869=; no amino-acid change (alanine 1869 retained).
Molecular consequence: synonymous variant.
Genome position (GRCh38, 1-based): chr14:104,179,748, A>G. VCF-style: chr14-104179748-A-G. GRCh37 (hg19) VCF-style: chr14-104646085-A-G.
Identifiers: ClinVar variation 4873051 (VCV004873051.2).